The following is an entry in ClinVar:

NM_021830.5(TWNK):c.1342A>G (p.Asn448Asp)

Gene: TWNK (twinkle mtDNA helicase; plus strand). Cytogenetic location: 10q24.31.
Variant type: single nucleotide variant.
Coding change: c.1342A>G on transcript NM_021830.5 (MANE Select); coding-DNA position 1342, A replaced by G.
Protein change: p.Asn448Asp; replaces asparagine 448 with aspartic acid.
Molecular consequence: missense variant. On other transcripts: non-coding transcript variant (5), 5 prime UTR variant (3).
Genome position (GRCh38, 1-based): chr10:100,989,742, A>G. VCF-style: chr10-100989742-A-G. GRCh37 (hg19) VCF-style: chr10-102749499-A-G.
Other names: c.1342A>G, p.Asn448Asp (NM_001163812.2); c.-21A>G (NM_001163813.2, NM_001163814.2, NM_001368275.1); c.1342A>G (NM_021830.4); short protein forms N448D.
Identifiers: ClinVar variation 1675430 (VCV001675430.33), dbSNP rs2133939614, ClinGen allele CA378210617.

ClinVar aggregate classification (germline): Pathogenic/Likely pathogenic. Review status: criteria provided, multiple submitters, no conflicts (2 of 4 stars). 2 submissions from 2 submitters: Pathogenic (1); Likely pathogenic (1). Last evaluated 2024-10-10.

Submissions (2):

GeneDx
Classification: Likely pathogenic. Last evaluated: 2024-10-10. Review status: criteria provided, single submitter. Criteria: GeneDx Variant Classification Process June 2021. Collection method: clinical testing. Allele origin: germline. Affected: yes.
Comment: Not observed at significant frequency in large population cohorts (gnomAD); In silico analysis supports that this missense variant has a deleterious effect on protein structure/function; This variant is associated with the following publications: (PMID: 19705478)

CeGaT Center for Human Genetics Tuebingen
Classification: Pathogenic. Last evaluated: 2022-04-01. Review status: criteria provided, single submitter. Criteria: CeGaT Center For Human Genetics Tuebingen Variant Classification Criteria Version 2. Collection method: clinical testing. Allele origin: germline. Affected: yes. Observed: 2 variant alleles.
Comment: TWNK: PP1:Strong, PM2, PS4:Moderate, PP3, PS1:Supporting